The following is an entry in ClinVar:

ClinVar aggregate classification (germline): Uncertain significance (1 of 4 stars; one submission).

Submission:

Women's Health and Genetics/Laboratory Corporation of America, LabCorp
Classification: Uncertain significance. Last evaluated: 2024-02-07. Review status: criteria provided, single submitter. Criteria: LabCorp Variant Classification Summary - May 2015. Collection method: clinical testing. Allele origin: germline.
Comment: Variant summary: CUX2 c.1223T>C (p.Phe408Ser) results in a non-conservative amino acid change in the encoded protein sequence. Three of five in-silico tools predict a benign effect of the variant on protein function. The variant was absent in 247760 control chromosomes. The available data on variant occurrences in the general population are insufficient to allow any conclusion about variant significance. To our knowledge, no occurrence of c.1223T>C in individuals affected with Early Infantile Epileptic Encephalopathy, Autosomal Dominant and no experimental evidence demonstrating its impact on protein function have been reported. No submitters have cited clinical-significance assessments for this variant to ClinVar. Based on the evidence outlined above, the variant was classified as uncertain significance.

NM_015267.4(CUX2):c.1223T>C (p.Phe408Ser)

Gene: CUX2 (cut like homeobox 2; plus strand). Cytogenetic location: 12q24.12.
Variant type: single nucleotide variant.
Coding change: c.1223T>C on transcript NM_015267.4 (MANE Select); coding-DNA position 1223, T replaced by C.
Protein change: p.Phe408Ser; replaces phenylalanine 408 with serine.
Molecular consequence: missense variant.
Genome position (GRCh38, 1-based): chr12:111,308,491, T>C. VCF-style: chr12-111308491-T-C. GRCh37 (hg19) VCF-style: chr12-111746295-T-C.
Other names: c.1037T>C, p.Phe346Ser (NM_001370598.1); short protein forms F346S, F408S.
Identifiers: ClinVar variation 3069096 (VCV003069096.2), dbSNP rs2499824974, ClinGen allele CA386708435.